The following is an entry in ClinVar:

NM_000642.3(AGL):c.1258_1265del (p.Thr420fs)

Gene: AGL (amylo-alpha-1,6-glucosidase and 4-alpha-glucanotransferase; plus strand). Cytogenetic location: 1p21.2.
Variant type: Deletion.
Coding change: c.1258_1265del on transcript NM_000642.3 (MANE Select); coding-DNA positions 1258 to 1265, 8 bases deleted (ACTAGAAA; older notation c.1258_1265delACTAGAAA).
Protein change: p.Thr420fs; shifts the reading frame from threonine 420.
Molecular consequence: frameshift variant.
Genome position (GRCh38, 1-based): chr1:99,875,430-99,875,437, ACTAGAAA deleted. VCF-style (leftmost placement, unchanged base first): chr1-99875429-CACTAGAAA-C. GRCh37 (hg19) VCF-style: chr1-100340985-CACTAGAAA-C.
Other names: c.1258_1265delACTAGAAA, p.Thr420Alafs (NM_001425325.1, NM_001425326.1, NM_000028.3 and 2 more transcripts); c.1054_1061delACTAGAAA, p.Thr352Alafs (NM_001425328.1, NM_001425329.1); c.880_887delACTAGAAA, p.Thr294Alafs (NM_001425332.1); c.1210_1217delACTAGAAA, p.Thr404Alafs (NM_000646.3); short protein forms T420fs, T404fs.
Identifiers: ClinVar variation 2886857 (VCV002886857.3), dbSNP rs2524602263, ClinGen allele CA2739272708.

ClinVar aggregate classification (germline): Pathogenic (1 of 4 stars; one submission).

Conditions:
Glycogen storage disease type III (GSD3). Also called: Cori disease; FORBES DISEASE. Identifiers: Orphanet 366, MedGen C0017922, MONDO:0009291, OMIM 232400.

Submission:

Labcorp Genetics (formerly Invitae), Labcorp
Classification: Pathogenic for Glycogen storage disease type III. Last evaluated: 2022-12-10. Review status: criteria provided, single submitter. Criteria: Invitae Variant Classification Sherloc (09022015). Collection method: clinical testing. Allele origin: germline.
Comment: For these reasons, this variant has been classified as Pathogenic. Algorithms developed to predict the effect of sequence changes on RNA splicing suggest that this variant may create or strengthen a splice site. This variant has not been reported in the literature in individuals affected with AGL-related conditions. This variant is not present in population databases (gnomAD no frequency). This sequence change creates a premature translational stop signal (p.Thr420Alafs*13) in the AGL gene. It is expected to result in an absent or disrupted protein product. Loss-of-function variants in AGL are known to be pathogenic (PMID: 19299494).

Literature cited by the submitters: PubMed 19299494.